The following is an entry in ClinVar:

NM_003673.4(TCAP):c.7A>T (p.Thr3Ser)

Gene: TCAP (titin-cap; plus strand). Cytogenetic location: 17q12.
Variant type: single nucleotide variant.
Coding change: c.7A>T on transcript NM_003673.4 (MANE Select); coding-DNA position 7, A replaced by T.
Protein change: p.Thr3Ser; replaces threonine 3 with serine.
Molecular consequence: missense variant.
Genome position (GRCh38, 1-based): chr17:39,665,366, A>T. VCF-style: chr17-39665366-A-T. GRCh37 (hg19) VCF-style: chr17-37821619-A-T.
Other names: short protein forms T3S.
Identifiers: ClinVar variation 4786457 (VCV004786457.1).
Genomic context (GRCh38, chr17:39,665,366, plus strand): 5'-GGAGGAGGGGGCTATTTAAAGGGCCTGGGAGGGGAGAGAGAATGAGGAGTGATCATGGCT[A>T]CCTCAGAGCTGAGCTGCGAGGTGTCGGAGGAGAACTGTGAGCGCCGGGAGGCCTTCTGGG-3'
Protein context (NP_003664.1, residues 1-13): MA[Thr3Ser]SELSCEVSEE

ClinVar aggregate classification (germline): Uncertain significance (1 of 4 stars; one submission).

Conditions:
Hypertrophic cardiomyopathy 25 (CMH25). Also called: CARDIOMYOPATHY, FAMILIAL HYPERTROPHIC, 25. Identifiers: MedGen C4225408, MONDO:0011843, OMIM 607487.
Primary familial hypertrophic cardiomyopathy (HCM). Identifiers: Orphanet 99739, MedGen C0949658, MeSH D024741, MONDO:0024573. Inheritance: Various modes of inheritance.

Submission:

Labcorp Genetics (formerly Invitae), Labcorp
Classification: Uncertain significance for Hypertrophic cardiomyopathy 25; Primary familial hypertrophic cardiomyopathy. Last evaluated: 2025-10-18. Review status: criteria provided, single submitter. Criteria: Invitae Variant Classification Sherloc (09022015). Collection method: clinical testing. Allele origin: germline.
Comment: This sequence change replaces threonine, which is neutral and polar, with serine, which is neutral and polar, at codon 3 of the TCAP protein (p.Thr3Ser). This variant is not present in population databases (gnomAD no frequency). This variant has not been reported in the literature in individuals affected with TCAP-related conditions. An algorithm developed to predict the effect of missense changes on protein structure and function (PolyPhen-2) suggests that this variant is likely to be tolerated. Algorithms developed to predict the effect of sequence changes on RNA splicing suggest that this variant may create or strengthen a splice site. In summary, the available evidence is currently insufficient to determine the role of this variant in disease. Therefore, it has been classified as a Variant of Uncertain Significance.